The following is an entry in ClinVar:

NM_005751.5(AKAP9):c.9442A>G (p.Thr3148Ala)

Gene: AKAP9 (A-kinase anchoring protein 9; plus strand). Cytogenetic location: 7q21.2.
Variant type: single nucleotide variant.
Coding change: c.9442A>G on transcript NM_005751.5 (MANE Select); coding-DNA position 9442, A replaced by G.
Protein change: p.Thr3148Ala; replaces threonine 3148 with alanine.
Molecular consequence: missense variant.
Genome position (GRCh38, 1-based): chr7:92,093,180, A>G. VCF-style: chr7-92093180-A-G. GRCh37 (hg19) VCF-style: chr7-91722494-A-G.
Other names: c.4087A>G, p.Thr1363Ala (NM_001379277.1); c.9418A>G, p.Thr3140Ala (NM_147185.3); short protein forms T3148A, T1363A, T3140A.
Identifiers: ClinVar variation 1766973 (VCV001766973.4), dbSNP rs761741274, ClinGen allele CA4337767.

ClinVar aggregate classification (germline): Conflicting classifications of pathogenicity. Review status: criteria provided, conflicting classifications (1 of 4 stars). 2 submissions from 2 submitters: Uncertain significance (1); Likely benign (1). Last evaluated 2025-05-16.

Conditions:
Cardiovascular phenotype. Identifiers: MedGen CN230736.
Long QT syndrome (LQTS). Identifiers: MedGen C0023976, MeSH D008133, MONDO:0002442. Disease mechanism: loss of function. Inheritance: Various modes of inheritance.

Allele frequency attached by ClinVar (database versions not stated): ExAC 0.00001; TOPMed 0.00002; gnomAD exomes below 0.00001; gnomAD 0.00001.

Submissions (2):

Labcorp Genetics (formerly Invitae), Labcorp
Classification: Uncertain significance for Long QT syndrome. Last evaluated: 2025-05-16. Review status: criteria provided, single submitter. Criteria: Invitae Variant Classification Sherloc (09022015). Collection method: clinical testing. Allele origin: germline.
Comment: This sequence change replaces threonine, which is neutral and polar, with alanine, which is neutral and non-polar, at codon 3148 of the AKAP9 protein (p.Thr3148Ala). This variant is present in population databases (rs761741274, gnomAD 0.01%). This variant has not been reported in the literature in individuals affected with AKAP9-related conditions. ClinVar contains an entry for this variant (Variation ID: 1766973). An algorithm developed to predict the effect of missense changes on protein structure and function outputs the following: PolyPhen-2: "Benign". The alanine amino acid residue is found in multiple mammalian species, which suggests that this missense change does not adversely affect protein function. In summary, the available evidence is currently insufficient to determine the role of this variant in disease. Therefore, it has been classified as a Variant of Uncertain Significance.

Ambry Genetics
Classification: Likely benign for Cardiovascular phenotype. Last evaluated: 2021-07-30. Review status: criteria provided, single submitter. Criteria: Ambry Variant Classification Scheme 2023. Collection method: clinical testing. Allele origin: germline.